The following is an entry in ClinVar:

ClinVar aggregate classification (germline): Uncertain significance (1 of 4 stars; one submission).

Submission:

Dasa
Classification: Uncertain significance. Last evaluated: 2026-08-04. Review status: criteria provided, single submitter. Criteria: DASA Assertion Criteria. Collection method: clinical testing. Allele origin: germline.
Comment: NM_005577.4(LPA):c.2836C>T (p.Gln946*) is a nonsense variant in LPA predicted to introduce a premature termination codon. This variant is rare in population databases. The currently available literature and clinical evidence are not sufficient to establish a definitive association between this variant and the reported condition. Therefore, this variant is classified as a variant of uncertain significance.

NM_005577.4(LPA):c.2836C>T (p.Gln946Ter)

Genes: LPA (lipoprotein(a); minus strand), LOC126859860 (CDK7 strongly-dependent group 2 enhancer GRCh37_chr6:161025992-161027191; plus strand). Cytogenetic location: 6q26.
Variant type: single nucleotide variant.
Coding change: c.2836C>T on transcript NM_005577.4 (MANE Select); coding-DNA position 2836, C replaced by T.
Protein change: p.Gln946Ter; replaces glutamine 946 with a stop codon.
Molecular consequence: nonsense.
Genome position (GRCh38, 1-based): chr6:160,605,155, G>A on the plus strand (C>T on the coding strand, the complement: LPA is on the minus strand). VCF-style: chr6-160605155-G-A. GRCh37 (hg19) VCF-style: chr6-161026187-G-A.
Other names: short protein forms Q946*.
Identifiers: ClinVar variation 5020689 (VCV005020689.1).